The following is an entry in ClinVar:

ClinVar aggregate classification (germline): Pathogenic. Review status: criteria provided, multiple submitters, no conflicts (2 of 4 stars). 4 submissions from 4 submitters: Pathogenic (4). Last evaluated 2025-02-17.

Conditions:
Glycogen storage disease, type V (GSD5). Also called: MCARDLE DISEASE; MUSCLE GLYCOGEN PHOSPHORYLASE DEFICIENCY; MYOPHOSPHORYLASE DEFICIENCY; PYGM DEFICIENCY; McArdle type glycogen storage disease. Identifiers: Orphanet 368, MedGen C0017924, MONDO:0009293, OMIM 232600.

Allele frequency attached by ClinVar (database versions not stated): TOPMed below 0.00001; ExAC 0.00001; gnomAD 0.00001; ESP Exome Variant Server 0.00008; gnomAD exomes below 0.00001.

Submissions (4):

Natera, Inc.
Classification: Pathogenic for Glycogen storage disease V. Last evaluated: 2025-02-17. Review status: criteria provided, single submitter. Criteria: Natera Variant Classification Schema (03/2026). Collection method: clinical testing. Allele origin: germline.
Comment: The c.2385_2386delAA variant in PYGM is a frameshift variant predicted to shift the reading frame beginning at codon 797 and leads to a stop codon 18 codons downstream. This variant is expected to result in nonsense mediated decay, truncation, or a dysfunctional protein product. This variant is rare in the general population with a frequency below the threshold expected for the associated phenotype(s). This variant has been observed in one or more individuals affected with the associated recessive disease, as either homozygous or compound heterozygous with a second variant (PMID: 34534370). Given the available evidence, this variant is classified as Pathogenic.

Baylor Genetics
Classification: Pathogenic for Glycogen storage disease, type V. Last evaluated: 2024-01-25. Review status: criteria provided, single submitter. Criteria: ACMG Guidelines, 2015. Collection method: clinical testing. Allele origin: unknown.

Labcorp Genetics (formerly Invitae), Labcorp
Classification: Pathogenic for Glycogen storage disease, type V. Last evaluated: 2023-11-24. Review status: criteria provided, single submitter. Criteria: Invitae Variant Classification Sherloc (09022015). Collection method: clinical testing. Allele origin: germline.
Comment: This sequence change creates a premature translational stop signal (p.Glu797Valfs*18) in the PYGM gene. While this is not anticipated to result in nonsense mediated decay, it is expected to disrupt the last 46 amino acid(s) of the PYGM protein. This variant is present in population databases (rs750080547, gnomAD 0.007%). This premature translational stop signal has been observed in individual(s) with McArdle disease (PMID: 19472443). ClinVar contains an entry for this variant (Variation ID: 1066872). This variant disrupts a region of the PYGM protein in which other variant(s) (p.Trp798Arg) have been determined to be pathogenic (PMID: 17630210, 17994553, 19251976, 21802952, 22250184). This suggests that this is a clinically significant region of the protein, and that variants that disrupt it are likely to be disease-causing. For these reasons, this variant has been classified as Pathogenic.

Clinical Genetics Service, Universitary Hospital 12 de Octubre
Classification: Pathogenic for Glycogen storage disease, type V. Review status: criteria provided, single submitter. Criteria: ACMG Guidelines, 2015. Collection method: clinical testing. Allele origin: germline. Affected: yes.

Literature cited by the submitters: PubMed 34534370 (cited by Natera, Inc.); PubMed 19472443 (cited by Labcorp Genetics (formerly Invitae), Labcorp); PubMed 17630210 (cited by Labcorp Genetics (formerly Invitae), Labcorp); PubMed 17994553 (cited by Labcorp Genetics (formerly Invitae), Labcorp); PubMed 19251976 (cited by Labcorp Genetics (formerly Invitae), Labcorp); PubMed 21802952 (cited by Labcorp Genetics (formerly Invitae), Labcorp); PubMed 22250184 (cited by Labcorp Genetics (formerly Invitae), Labcorp).

NM_005609.4(PYGM):c.2385_2386del (p.Glu797fs)

Gene: PYGM (glycogen phosphorylase, muscle associated; minus strand). Cytogenetic location: 11q13.1.
Variant type: Deletion.
Coding change: c.2385_2386del on transcript NM_005609.4 (MANE Select); coding-DNA positions 2385 to 2386, 2 bases deleted (AA; older notation c.2385_2386delAA).
Protein change: p.Glu797fs; shifts the reading frame from glutamic acid 797.
Molecular consequence: frameshift variant.
Genome position (GRCh38, 1-based): chr11:64,746,802-64,746,803, TT deleted on the plus strand (AA on the coding strand, the reverse complement: PYGM is on the minus strand). VCF-style (leftmost placement, unchanged base first): chr11-64746801-CTT-C. GRCh37 (hg19) VCF-style: chr11-64514273-CTT-C.
Other names: c.2121_2122del, p.Glu709fs (NM_001164716.1); c.2385_2386delAA (NM_005609.3); short protein forms E709fs, E797fs.
Identifiers: ClinVar variation 1066872 (VCV001066872.13), dbSNP rs750080547, ClinGen allele CA6079526.